The following is an entry in ClinVar:

ClinVar aggregate classification (germline): Uncertain significance (1 of 4 stars; one submission).

Submission:

Labcorp Genetics (formerly Invitae), Labcorp
Classification: Uncertain significance. Last evaluated: 2025-06-03. Review status: criteria provided, single submitter. Criteria: Invitae Variant Classification Sherloc (09022015). Collection method: clinical testing. Allele origin: germline.
Comment: This variant, c.1024_1026del, results in the deletion of 1 amino acid(s) of the EMC1 protein (p.Val342del), but otherwise preserves the integrity of the reading frame. This variant is present in population databases (rs772945847, gnomAD 0.02%). This variant has not been reported in the literature in individuals affected with EMC1-related conditions. This variant is also known as c.1026+1_1026+3del. Algorithms developed to predict the effect of sequence changes on RNA splicing suggest that this variant may disrupt the consensus splice site. In summary, the available evidence is currently insufficient to determine the role of this variant in disease. Therefore, it has been classified as a Variant of Uncertain Significance.

NM_015047.3(EMC1):c.1026+1_1026+3del

Genes: EMC1-AS1 (EMC1 antisense RNA 1; plus strand), EMC1 (ER membrane protein complex subunit 1; minus strand). Cytogenetic location: 1p36.13.
Variant type: Microsatellite.
Coding change: c.1026+1_1026+3del on transcript NM_015047.3 (MANE Select); the canonical splice donor site of the intron after coding-DNA position 1026 through 3 bases into the intron after coding-DNA position 1026, 3 bases deleted (GTG; older notation c.1026+1_1026+3delGTG).
Molecular consequence: splice donor variant.
Genome position (GRCh38, 1-based): chr1:19,239,228-19,239,230, CAC deleted on the plus strand (GTG on the coding strand, the reverse complement: EMC1 is on the minus strand); deleting any 3 consecutive bases within chr1:19,239,228-19,239,233 gives the same sequence; the c. name uses the placement nearest the transcript's 3' end. VCF-style (leftmost placement, unchanged base first): chr1-19239227-TCAC-T. GRCh37 (hg19) VCF-style: chr1-19565721-TCAC-T.
Other names: c.960+1_960+3del (NM_001271429.2); c.1026+1_1026+3del (NM_001271427.2, NM_001375821.1, NM_001271428.2 and 1 more transcripts).
Identifiers: ClinVar variation 4709263 (VCV004709263.1).